The following is an entry in ClinVar:

NM_001849.4(COL6A2):c.1735-72G>A

Gene: COL6A2 (collagen type VI alpha 2 chain; plus strand). Cytogenetic location: 21q22.3.
Variant type: single nucleotide variant.
Coding change: c.1735-72G>A on transcript NM_001849.4 (MANE Select); 72 bases into the intron before coding-DNA position 1735, G replaced by A.
Molecular consequence: intron variant.
Genome position (GRCh38, 1-based): chr21:46,124,813, G>A. VCF-style: chr21-46124813-G-A. GRCh37 (hg19) VCF-style: chr21-47544727-G-A.
Other names: NC_000021.8:g.47544727G>A; c.1735-72G>A (NM_058175.3, NM_058174.3).
Identifiers: ClinVar variation 681638 (VCV000681638.3), dbSNP rs9981879, ClinGen allele CA14875503.

ClinVar aggregate classification (germline): Benign. Review status: criteria provided, multiple submitters, no conflicts (2 of 4 stars). 2 submissions from 2 submitters: Benign (2). Last evaluated 2018-06-16.

Allele frequency attached by ClinVar (database versions not stated): gnomAD exomes 0.05031; ESP Exome Variant Server 0.05037; gnomAD 0.06148 and 0.06620; TOPMed 0.07357; 1000 Genomes Project 30x 0.13382; 1000 Genomes Project 0.13858.
gnomAD v4.1: 83,628 of 1,602,338 alleles (5.2%); highest among the groups gnomAD compares: East Asian, 40%; 5,669 homozygotes.

Submissions (13):

GeneDx
Classification: Benign. Last evaluated: 2018-06-16. Review status: criteria provided, single submitter. Criteria: GeneDx Variant Classification (06012015). Collection method: clinical testing. Allele origin: germline. Affected: yes.
Comment: This variant is considered likely benign or benign based on one or more of the following criteria: it is a conservative change, it occurs at a poorly conserved position in the protein, it is predicted to be benign by multiple in silico algorithms, and/or has population frequency not consistent with disease.

Breakthrough Genomics
Classification: Benign. Review status: criteria provided, single submitter. Criteria: ACMG Guidelines, 2015. Collection method: not provided. Allele origin: germline. Inheritance: Autosomal recessive inheritance. Affected: yes.

Dr. Peter K. Rogan Lab, Western University
No classification provided (evidence only). Condition: Uterine corpus endometrial carcinoma. Review status: no classification provided. Collection method: in vitro. Allele origin: not applicable. Functional consequence: retained intron. Not counted in ClinVar's aggregate classification.

Dr. Peter K. Rogan Lab, Western University
No classification provided (evidence only). Condition: Uterine corpus endometrial carcinoma. Review status: no classification provided. Collection method: in vitro. Allele origin: not applicable. Functional consequence: retained intron. Not counted in ClinVar's aggregate classification.

Dr. Peter K. Rogan Lab, Western University
No classification provided (evidence only). Condition: Malignant lymphoma, large B-cell, diffuse. Review status: no classification provided. Collection method: in vitro. Allele origin: not applicable. Functional consequence: retained intron. Not counted in ClinVar's aggregate classification.

Dr. Peter K. Rogan Lab, Western University
No classification provided (evidence only). Condition: Thymoma. Review status: no classification provided. Collection method: in vitro. Allele origin: not applicable. Functional consequence: retained intron. Not counted in ClinVar's aggregate classification.

Dr. Peter K. Rogan Lab, Western University
No classification provided (evidence only). Condition: Thymoma. Review status: no classification provided. Collection method: in vitro. Allele origin: not applicable. Functional consequence: retained intron. Not counted in ClinVar's aggregate classification.

Dr. Peter K. Rogan Lab, Western University
No classification provided (evidence only). Condition: Thymoma. Review status: no classification provided. Collection method: in vitro. Allele origin: not applicable. Functional consequence: retained intron. Not counted in ClinVar's aggregate classification.

Dr. Peter K. Rogan Lab, Western University
No classification provided (evidence only). Condition: Cholangiocarcinoma. Review status: no classification provided. Collection method: in vitro. Allele origin: not applicable. Functional consequence: retained intron. Not counted in ClinVar's aggregate classification.

Dr. Peter K. Rogan Lab, Western University
No classification provided (evidence only). Condition: Ovarian serous cystadenocarcinoma. Review status: no classification provided. Collection method: in vitro. Allele origin: not applicable. Functional consequence: retained intron. Not counted in ClinVar's aggregate classification.

Dr. Peter K. Rogan Lab, Western University
No classification provided (evidence only). Condition: Ovarian serous cystadenocarcinoma. Review status: no classification provided. Collection method: in vitro. Allele origin: not applicable. Functional consequence: retained intron. Not counted in ClinVar's aggregate classification.

Dr. Peter K. Rogan Lab, Western University
No classification provided (evidence only). Condition: Uterine carcinosarcoma. Review status: no classification provided. Collection method: in vitro. Allele origin: not applicable. Functional consequence: retained intron. Not counted in ClinVar's aggregate classification.

Dr. Peter K. Rogan Lab, Western University
No classification provided (evidence only). Condition: Uveal melanoma. Review status: no classification provided. Collection method: in vitro. Allele origin: not applicable. Functional consequence: retained intron. Not counted in ClinVar's aggregate classification.